The following is an entry in ClinVar:

NM_001374385.1(ATP8B1):c.886C>T (p.Arg296Cys)

Gene: ATP8B1 (ATPase phospholipid transporting 8B1; minus strand). Cytogenetic location: 18q21.31.
Variant type: single nucleotide variant.
Coding change: c.886C>T on transcript NM_001374385.1 (MANE Select); coding-DNA position 886, C replaced by T.
Protein change: p.Arg296Cys; replaces arginine 296 with cysteine.
Molecular consequence: missense variant.
Genome position (GRCh38, 1-based): chr18:57,695,225, G>A on the plus strand (C>T on the coding strand, the complement: ATP8B1 is on the minus strand). VCF-style: chr18-57695225-G-A. GRCh37 (hg19) VCF-style: chr18-55362457-G-A.
Other names: c.736C>T, p.Arg246Cys (NM_001374386.1); c.886C>T, p.Arg296Cys (NM_005603.6); short protein forms R246C, R296C.
Identifiers: ClinVar variation 2736748 (VCV002736748.7), dbSNP rs2511769729, ClinGen allele CA402542036.

ClinVar aggregate classification (germline): Pathogenic/Likely pathogenic. Review status: criteria provided, multiple submitters, no conflicts (2 of 4 stars). 5 submissions from 5 submitters: Pathogenic (2); Likely pathogenic (3). Last evaluated 2026-04-14.

Conditions:
Progressive familial intrahepatic cholestasis (PFIC). Also called: Progressive family intrahepatic cholestasis; Progressive intrahepatic cholestasis. Identifiers: Orphanet 172, MedGen C0268312, MONDO:0015762.
Benign recurrent intrahepatic cholestasis type 1. Also called: Mild-to-Moderate ATP8B1 Deficiency (Benign Recurrent Intrahepatic Cholestasis 1 [BRIC1]); SUMMERSKILL SYNDROME. Identifiers: Orphanet 65682, Orphanet 99960, MedGen C4551899, MONDO:0009469, OMIM 243300.
Progressive familial intrahepatic cholestasis type 1. Also called: Severe ATP8B1 Deficiency (Progressive Familial Intrahepatic Cholestasis Type 1 [PFIC1]); BYLER DISEASE; Byler's disease. Identifiers: Orphanet 79306, MedGen C4551898, MONDO:0008892, OMIM 211600.
Cholestasis, intrahepatic, of pregnancy, 1 (ICP1). Also called: CHOLESTASIS, PREGNANCY-RELATED, 1. Identifiers: Orphanet 69665, MedGen C3549845, MONDO:0007829, OMIM 147480.
Familial intrahepatic cholestasis. Identifiers: Orphanet 284385, MedGen CN296401, MONDO:0017290.

Allele frequency attached by ClinVar (database versions not stated): gnomAD exomes below 0.00001.
gnomAD v4.1: 3 of 1,614,070 alleles (0.00019%); highest among the groups gnomAD compares: African/African-American, 0.0013%; no homozygotes.

Submissions (5):

Genomenon, Inc
Classification: Likely pathogenic for Familial intrahepatic cholestasis. Last evaluated: 2026-04-14. Review status: criteria provided, single submitter. Criteria: Genomenon Sequence Variant Interpretation Standards - Updated. Collection method: curation. Allele origin: germline. Affected: yes.
Comment: ATP8B1 p.Arg296Cys (c.886C>T) is a missense variant that changes the amino acid at residue 296 from Arginine to Cysteine. This variant has been observed in at least one proband with features of ATP8B1-deficiency (PMID:11815775;26382629;26678486;33666275). It has been observed in trans with a pathogenic or likely pathogenic variant (PMID:26382629). It is absent or not present at a significant frequency in gnomAD. In silico models predict that this variant is possibly or probably damaging. In conclusion, we classify ATP8B1 p.Arg296Cys (c.886C>T) as a likely pathogenic variant.

Fulgent Genetics
Classification: Likely pathogenic for Cholestasis, intrahepatic, of pregnancy, 1; Progressive familial intrahepatic cholestasis type 1; Benign recurrent intrahepatic cholestasis type 1. Last evaluated: 2024-05-10. Review status: criteria provided, single submitter. Criteria: ACMG Guidelines, 2015. Collection method: clinical testing. Allele origin: germline.

Women's Health and Genetics/Laboratory Corporation of America, LabCorp
Classification: Pathogenic for Progressive familial intrahepatic cholestasis. Last evaluated: 2024-05-08. Review status: criteria provided, single submitter. Criteria: LabCorp Variant Classification Summary - May 2015. Collection method: clinical testing. Allele origin: germline.
Comment: Variant summary: ATP8B1 c.886C>T (p.Arg296Cys) results in a non-conservative amino acid change in the encoded protein sequence. Four of five in-silico tools predict a damaging effect of the variant on protein function. The variant was absent in 251420 control chromosomes. c.886C>T has been reported in the literature in multiple homozygous and compound heterozygous individuals affected with Familial Intrahepatic Cholestasis (e.g. Chen_2002, vanWessel_2021). These data indicate that the variant is very likely to be associated with disease. To our knowledge, no experimental evidence demonstrating an impact on protein function has been reported. The following publications have been ascertained in the context of this evaluation (PMID: 11815775, 33666275). ClinVar contains an entry for this variant (Variation ID: 2736748). Based on the evidence outlined above, the variant was classified as pathogenic.

Baylor Genetics
Classification: Likely pathogenic for Benign recurrent intrahepatic cholestasis type 1. Last evaluated: 2023-12-05. Review status: criteria provided, single submitter. Criteria: ACMG Guidelines, 2015. Collection method: clinical testing. Allele origin: unknown.

Labcorp Genetics (formerly Invitae), Labcorp
Classification: Pathogenic. Last evaluated: 2023-10-02. Review status: criteria provided, single submitter. Criteria: Invitae Variant Classification Sherloc (09022015). Collection method: clinical testing. Allele origin: germline.
Comment: This sequence change replaces arginine, which is basic and polar, with cysteine, which is neutral and slightly polar, at codon 296 of the ATP8B1 protein (p.Arg296Cys). This variant is not present in population databases (gnomAD no frequency). This missense change has been observed in individual(s) with autosomal recessive progressive familial intrahepatic cholestasis type 1 (PMID: 11815775, 26382629, 26678486, 33666275). In at least one individual the data is consistent with being in trans (on the opposite chromosome) from a pathogenic variant. Advanced modeling of protein sequence and biophysical properties (such as structural, functional, and spatial information, amino acid conservation, physicochemical variation, residue mobility, and thermodynamic stability) performed at Invitae indicates that this missense variant is expected to disrupt ATP8B1 protein function. For these reasons, this variant has been classified as Pathogenic.

Literature cited by the submitters: PubMed 11815775 (cited by 3 submitters); PubMed 26382629 (cited by Genomenon, Inc and Labcorp Genetics (formerly Invitae), Labcorp); PubMed 26678486 (cited by Genomenon, Inc and Labcorp Genetics (formerly Invitae), Labcorp); PubMed 33666275 (cited by 3 submitters).